The following is an entry in ClinVar:

ClinVar aggregate classification (germline): Uncertain significance (1 of 4 stars; one submission).

Submission:

Labcorp Genetics (formerly Invitae), Labcorp
Classification: Uncertain significance. Last evaluated: 2024-11-18. Review status: criteria provided, single submitter. Criteria: Invitae Variant Classification Sherloc (09022015). Collection method: clinical testing. Allele origin: germline.
Comment: This sequence change replaces glycine, which is neutral and non-polar, with arginine, which is basic and polar, at codon 93 of the SIAE protein (p.Gly93Arg). This variant is not present in population databases (gnomAD no frequency). This variant has not been reported in the literature in individuals affected with SIAE-related conditions. ClinVar contains an entry for this variant (Variation ID: 1354018). An algorithm developed to predict the effect of missense changes on protein structure and function (PolyPhen-2) suggests that this variant is likely to be disruptive. In summary, the available evidence is currently insufficient to determine the role of this variant in disease. Therefore, it has been classified as a Variant of Uncertain Significance.

NM_170601.5(SIAE):c.277G>A (p.Gly93Arg)

Gene: SIAE (sialic acid acetylesterase; minus strand). Cytogenetic location: 11q24.2.
Variant type: single nucleotide variant.
Coding change: c.277G>A on transcript NM_170601.5 (MANE Select); coding-DNA position 277, G replaced by A.
Protein change: p.Gly93Arg; replaces glycine 93 with arginine.
Molecular consequence: missense variant.
Genome position (GRCh38, 1-based): chr11:124,660,756, C>T on the plus strand (G>A on the coding strand, the complement: SIAE is on the minus strand). VCF-style: chr11-124660756-C-T. GRCh37 (hg19) VCF-style: chr11-124530652-C-T.
Other names: c.172G>A, p.Gly58Arg (NM_001199922.2); short protein forms G93R, G58R.
Identifiers: ClinVar variation 1354018 (VCV001354018.8), dbSNP rs2134382667, ClinGen allele CA383121068.